The following is an entry in ClinVar:

ClinVar aggregate classification (germline): Benign (1 of 4 stars; one submission).

Allele frequency attached by ClinVar (database versions not stated): 1000 Genomes Project 0.32728; TOPMed 0.41686; 1000 Genomes Project 30x 0.33229.
gnomAD v4.1: 63,450 of 152,042 alleles (42%); highest among the groups gnomAD compares: Middle Eastern, 54%; 13,964 homozygotes.

Submission:

GeneDx
Classification: Benign. Last evaluated: 2018-06-19. Review status: criteria provided, single submitter. Criteria: GeneDx Variant Classification (06012015). Collection method: clinical testing. Allele origin: germline. Affected: yes.
Comment: This variant is considered likely benign or benign based on one or more of the following criteria: it is a conservative change, it occurs at a poorly conserved position in the protein, it is predicted to be benign by multiple in silico algorithms, and/or has population frequency not consistent with disease.

NM_022041.4(GAN):c.974-186A>G

Gene: GAN (gigaxonin; plus strand). Cytogenetic location: 16q23.2.
Variant type: single nucleotide variant.
Coding change: c.974-186A>G on transcript NM_022041.4 (MANE Select); 186 bases into the intron before coding-DNA position 974, A replaced by G.
Molecular consequence: intron variant.
Genome position (GRCh38, 1-based): chr16:81,362,313, A>G. VCF-style: chr16-81362313-A-G. GRCh37 (hg19) VCF-style: chr16-81395918-A-G.
Other names: c.335-186A>G (NM_001377486.1).
Identifiers: ClinVar variation 680740 (VCV000680740.1), dbSNP rs8055288, ClinGen allele CA14253709.